The following is an entry in ClinVar:

NM_001999.4(FBN2):c.7345+6G>A

Gene: FBN2 (fibrillin 2; minus strand). Cytogenetic location: 5q23.3.
Variant type: single nucleotide variant.
Coding change: c.7345+6G>A on transcript NM_001999.4 (MANE Select); 6 bases into the intron after coding-DNA position 7345, G replaced by A.
Molecular consequence: intron variant.
Genome position (GRCh38, 1-based): chr5:128,278,629, C>T on the plus strand (G>A on the coding strand, the complement: FBN2 is on the minus strand). VCF-style: chr5-128278629-C-T. GRCh37 (hg19) VCF-style: chr5-127614321-C-T.
Identifiers: ClinVar variation 2918191 (VCV002918191.3), dbSNP rs1765455349, ClinGen allele CA1581242322.
Genomic context (GRCh38, chr5:128,278,629, plus strand): 5'-CACATTTATCTGAATTCATAAAATTTAATGTGTTGATTATATGAATAAATTTCCTCAACT[C>T]CTTACCTCTTCCATCAGTTGTATATCCTGGGCCATGAGGACATATCTTTTTGTACTGGGC-3'

ClinVar aggregate classification (germline): Uncertain significance (1 of 4 stars; one submission).

Conditions:
Congenital contractural arachnodactyly (CCA). Also called: BEALS SYNDROME; Arthrogryposis, distal, type 9; Beals-Hecht syndrome. Identifiers: Orphanet 115, MedGen C0220668, MONDO:0007363, OMIM 121050.

Allele frequency attached by ClinVar (database versions not stated): TOPMed below 0.00001.

Submission:

Labcorp Genetics (formerly Invitae), Labcorp
Classification: Uncertain significance for Congenital contractural arachnodactyly. Last evaluated: 2024-02-20. Review status: criteria provided, single submitter. Criteria: Invitae Variant Classification Sherloc (09022015). Collection method: clinical testing. Allele origin: germline.
Comment: This sequence change falls in intron 57 of the FBN2 gene. It does not directly change the encoded amino acid sequence of the FBN2 protein. It affects a nucleotide within the consensus splice site. This variant is not present in population databases (gnomAD no frequency). This variant has not been reported in the literature in individuals affected with FBN2-related conditions. Variants that disrupt the consensus splice site are a relatively common cause of aberrant splicing (PMID: 17576681, 9536098). Algorithms developed to predict the effect of sequence changes on RNA splicing suggest that this variant is not likely to affect RNA splicing. In summary, the available evidence is currently insufficient to determine the role of this variant in disease. Therefore, it has been classified as a Variant of Uncertain Significance.

Literature cited by the submitters: PubMed 17576681; PubMed 9536098.